The following is an entry in ClinVar:

ClinVar aggregate classification (germline): Uncertain significance (1 of 4 stars; one submission).

Conditions:
Familial cancer of breast. Also called: hereditary breast carcinoma; Hereditary breast cancer; BREAST CANCER, FAMILIAL. Identifiers: Orphanet 227535, MedGen C0346153, MONDO:0016419, OMIM 114480. Disease mechanism: loss of function.

Submission:

Labcorp Genetics (formerly Invitae), Labcorp
Classification: Uncertain significance for Familial cancer of breast. Last evaluated: 2018-12-24. Review status: criteria provided, single submitter. Criteria: Invitae Variant Classification Sherloc (09022015). Collection method: clinical testing. Allele origin: germline.
Comment: This sequence change replaces cysteine with glycine at codon 74 of the BARD1 protein (p.Cys74Gly). The cysteine residue is highly conserved and there is a large physicochemical difference between cysteine and glycine. This variant is not present in population databases (ExAC no frequency). This variant has not been reported in the literature in individuals with BARD1-related conditions. Algorithms developed to predict the effect of missense changes on protein structure and function (SIFT, PolyPhen-2, Align-GVGD) all suggest that this variant is likely to be disruptive, but these predictions have not been confirmed by published functional studies and their clinical significance is uncertain. In summary, the available evidence is currently insufficient to determine the role of this variant in disease. Therefore, it has been classified as a Variant of Uncertain Significance.

NM_000465.4(BARD1):c.220T>G (p.Cys74Gly)

Gene: BARD1 (BRCA1 associated RING domain 1; minus strand). Cytogenetic location: 2q35.
Variant type: single nucleotide variant.
Coding change: c.220T>G on transcript NM_000465.4 (MANE Select); coding-DNA position 220, T replaced by G.
Protein change: p.Cys74Gly; replaces cysteine 74 with glycine.
Molecular consequence: missense variant. On other transcripts: non-coding transcript variant (1), intron variant (2).
Genome position (GRCh38, 1-based): chr2:214,792,441, A>C on the plus strand (T>G on the coding strand, the complement: BARD1 is on the minus strand). VCF-style: chr2-214792441-A-C. GRCh37 (hg19) VCF-style: chr2-215657165-A-C.
Other names: c.163T>G, p.Cys55Gly (NM_001282543.2); c.220T>G, p.Cys74Gly (NM_001282549.2); c.158+16971T>G (NM_001282548.2); c.215+4620T>G (NM_001282545.2); short protein forms C74G, C55G.
Identifiers: ClinVar variation 649779 (VCV000649779.9), dbSNP rs1574840055, ClinGen allele CA350461331.